The following is an entry in ClinVar:

ClinVar aggregate classification (germline): Uncertain significance (1 of 4 stars; one submission).

Submission:

GeneDx
Classification: Uncertain significance. Last evaluated: 2025-05-19. Review status: criteria provided, single submitter. Criteria: GeneDx Variant Classification Process June 2021. Collection method: clinical testing. Allele origin: germline. Affected: yes.
Comment: Not observed at significant frequency in large population cohorts (gnomAD); In silico analysis suggests that this missense variant does not alter protein structure/function; Has not been previously published as pathogenic or benign to our knowledge

NM_006734.4(HIVEP2):c.5011G>A (p.Ala1671Thr)

Gene: HIVEP2 (HIVEP zinc finger 2; minus strand). Cytogenetic location: 6q24.2.
Variant type: single nucleotide variant.
Coding change: c.5011G>A on transcript NM_006734.4 (MANE Select); coding-DNA position 5011, G replaced by A.
Protein change: p.Ala1671Thr; replaces alanine 1671 with threonine.
Molecular consequence: missense variant.
Genome position (GRCh38, 1-based): chr6:142,769,728, C>T on the plus strand (G>A on the coding strand, the complement: HIVEP2 is on the minus strand). VCF-style: chr6-142769728-C-T. GRCh37 (hg19) VCF-style: chr6-143090865-C-T.
Other names: c.5011G>A, p.Ala1671Thr (NM_001438449.1, NM_001438450.1, NM_001438451.1); short protein forms A1671T.
Identifiers: ClinVar variation 4531115 (VCV004531115.1).